The following is an entry in ClinVar:

NM_001142800.2(EYS):c.9277_9278dup (p.Arg3094fs)

Genes: EYS (EGF-like photoreceptor maintenance factor; minus strand), PHF3 (PHD finger protein 3; plus strand). Cytogenetic location: 6q12.
Variant type: Duplication.
Coding change: c.9277_9278dup on transcript NM_001142800.2 (MANE Select); coding-DNA positions 9277 to 9278, 2 bases duplicated (GG; older notation c.9277_9278dupGG).
Protein change: p.Arg3094fs; shifts the reading frame from arginine 3094.
Molecular consequence: frameshift variant. On other transcripts: 3 prime UTR variant (5).
Genome position (GRCh38, 1-based): chr6:63,720,753-63,720,754, CC duplicated on the plus strand (GG on the coding strand, the reverse complement: EYS is on the minus strand). VCF-style (leftmost placement, unchanged base first): chr6-63720752-A-ACC. GRCh37 (hg19) VCF-style: chr6-64430648-A-ACC.
Other names: c.*7045_*7046dup (NM_001290259.2, NM_001370348.2, NM_001370349.2 and 2 more transcripts); c.9340_9341dup, p.Arg3115fs (NM_001292009.2); short protein forms R3115fs, R3094fs.
Identifiers: ClinVar variation 224759 (VCV000224759.16), dbSNP rs869312188, ClinGen allele CA358560.

ClinVar aggregate classification (germline): Pathogenic/Likely pathogenic. Review status: criteria provided, multiple submitters, no conflicts (2 of 4 stars). 4 submissions from 4 submitters: Pathogenic (1); Likely pathogenic (2). 1 of the submissions does not count toward it. Last evaluated 2024-07-11.

Conditions:
Retinal dystrophy. Also called: Inherited retinal dystrophy. Identifiers: Orphanet 71862, MedGen C0854723, MeSH D058499, MONDO:0019118, HP:0000556.
Retinitis pigmentosa (RP). Identifiers: Orphanet 791, MedGen C0035334, MeSH D012174, MONDO:0019200, OMIM 268000. Inheritance: Autosomal dominant, autosomal recessive and X linked inheritance.
Retinitis pigmentosa 25 (RP25). Identifiers: Orphanet 791, MedGen C1864446, MONDO:0011272, OMIM 602772.

Allele frequency attached by ClinVar (database versions not stated): gnomAD exomes 0.00001.

Submissions (4):

Natera, Inc.
Classification: Likely pathogenic for Retinitis pigmentosa type 25. Last evaluated: 2024-07-11. Review status: criteria provided, single submitter. Criteria: Natera Variant Classification Schema (03/2026). Collection method: clinical testing. Allele origin: germline.
Comment: The c.9277_9278dupGG variant in EYS is a frameshift variant predicted to shift the reading frame beginning at codon 3094 and leads to a stop codon 4 codons downstream. This variant is expected to result in nonsense mediated decay, truncation, or a dysfunctional protein product. This variant is rare in the general population with a frequency below the threshold expected for the associated phenotype(s). This variant has been observed in one or more individuals affected with the associated recessive disease, as either homozygous or compound heterozygous with a second variant (PMID: 22581970). Given the available evidence, this variant is classified as Likely Pathogenic.

Women's Health and Genetics/Laboratory Corporation of America, LabCorp
Classification: Likely pathogenic for Retinitis pigmentosa. Last evaluated: 2023-01-31. Review status: criteria provided, single submitter. Criteria: LabCorp Variant Classification Summary - May 2015. Collection method: clinical testing. Allele origin: germline.
Comment: Variant summary: EYS c.9277_9278dupGG (p.Arg3094ValfsX4) is located in exon 43 (i.e. in the last exon), and results in a premature termination codon that is not expected to cause nonsense mediated decay (NMD), but is predicted to cause a truncation of the encoded protein, that removes a part of the fifth laminin G domain (amino acids 2975-3165; IPR001791). Truncations downstream of this position have been reported in affected individuals (HGMD). The variant was absent in 155724 control chromosomes (gnomAD). c.9277_9278dupGG has been reported in the literature in at least one compound heterozygous individual affected with inherited retinal disease (O'Sullivan_2012, Ellingford_2016). These data do not allow any conclusion about variant significance. To our knowledge, no experimental evidence demonstrating an impact on protein function has been reported. Three clinical diagnostic laboratories have submitted clinical-significance assessments for this variant to ClinVar after 2014 without evidence for independent evaluation. All laboratories classified the variant as pathogenic/likely pathogenic. Based on the evidence outlined above, the variant was classified as likely pathogenic.

Labcorp Genetics (formerly Invitae), Labcorp
Classification: Pathogenic. Last evaluated: 2020-10-14. Review status: criteria provided, single submitter. Criteria: Invitae Variant Classification Sherloc (09022015). Collection method: clinical testing. Allele origin: germline.
Comment: This variant has been observed in individual(s) with retinitis pigmentosa (PMID: 22581970). ClinVar contains an entry for this variant (Variation ID: 224759). This variant is not present in population databases (ExAC no frequency). This sequence change results in a premature translational stop signal in the EYS gene (p.Arg3094Valfs*4). While this is not anticipated to result in nonsense mediated decay, it is expected to disrupt the last 51 amino acid(s) of the EYS protein. This variant disrupts the C-terminus of the EYS protein. Other variant(s) that disrupt this region (p.Tyr3135*) have been determined to be pathogenic (PMID: 18976725, 31074760, 29159838, 30337596). This suggests that variants that disrupt this region of the protein are likely to be causative of disease. For these reasons, this variant has been classified as Pathogenic.

Centre for Genomic Medicine, Manchester, Central Manchester University Hospitals
Classification: Likely pathogenic for Retinal dystrophy. Last evaluated: 2015-01-30. Review status: no assertion criteria provided. Collection method: clinical testing. Allele origin: germline. Affected: yes. Not counted in ClinVar's aggregate classification.

Literature cited by the submitters: PubMed 22581970 (cited by 3 submitters); PubMed 26872967 (cited by Women's Health and Genetics/Laboratory Corporation of America, LabCorp and Centre for Genomic Medicine, Manchester, Central Manchester University Hospitals); PubMed 18976725 (cited by Labcorp Genetics (formerly Invitae), Labcorp); PubMed 31074760 (cited by Labcorp Genetics (formerly Invitae), Labcorp); PubMed 29159838 (cited by Labcorp Genetics (formerly Invitae), Labcorp); PubMed 30337596 (cited by Labcorp Genetics (formerly Invitae), Labcorp).